The following is an entry in ClinVar:

ClinVar aggregate classification (germline): Uncertain significance (1 of 4 stars; one submission).

Submission:

Labcorp Genetics (formerly Invitae), Labcorp
Classification: Uncertain significance. Last evaluated: 2022-07-13. Review status: criteria provided, single submitter. Criteria: Invitae Variant Classification Sherloc (09022015). Collection method: clinical testing. Allele origin: germline.
Comment: In summary, the available evidence is currently insufficient to determine the role of this variant in disease. Therefore, it has been classified as a Variant of Uncertain Significance. Experimental studies and prediction algorithms are not available or were not evaluated, and the functional significance of this variant is currently unknown. This variant has not been reported in the literature in individuals affected with PCNT-related conditions. This variant is not present in population databases (gnomAD no frequency). This variant, c.444_445ins117, results in the insertion of 39 amino acid(s) of the PCNT protein (p.Val148_Ser149ins39), but otherwise preserves the integrity of the reading frame.

NM_006031.6(PCNT):c.444_445insTGTGACCACCCACCAGAACAGCATGGGATGTTCACAGTCAGTGACCACCCACCGGAACAGCGTGGGATGTTCACAGTCGGTGACCACCCACCAGAACAGCGTGGGATGTTCACAGTC (p.Val148_Ser149insCysAspHisProProGluGlnHisGlyMetPheThrValSerAspHisProProGluGlnArgGlyMetPheThrValGlyAspHisProProGluGlnArgGlyMetPheThrVal)

Gene: PCNT (pericentrin; plus strand). Cytogenetic location: 21q22.3.
Variant type: Insertion.
Coding change: c.444_445insTGTGACCACCCACCAGAACAGCATGGGATGTTCACAGTCAGTGACCACCCACCGGAACAGCGTGGGATGTTCACAGTCGGTGACCACCCACCAGAACAGCGTGGGATGTTCACAGTC on transcript NM_006031.6 (MANE Select); coding-DNA positions 444 to 445, TGTGACCACCCACCAGAACAGCATGGGATGTTCACAGTCAGTGACCACCCACCGGAACAGCGTGGGATGTTCACAGTCGGTGACCACCCACCAGAACAGCGTGGGATGTTCACAGTC inserted.
Protein change: p.Val148_Ser149insCysAspHisProProGluGlnHisGlyMetPheThrValSerAspHisProProGluGlnArgGlyMetPheThrValGlyAspHisProProGluGlnArgGlyMetPheThrVal.
Molecular consequence: inframe insertion.
Genome position: GRCh38: chr21:46,334,573-46,334,574. GRCh37 (hg19): chr21:47,754,487-47,754,488.
Other names: c.90_91insTGTGACCACCCACCAGAACAGCATGGGATGTTCACAGTCAGTGACCACCCACCGGAACAGCGTGGGATGTTCACAGTCGGTGACCACCCACCAGAACAGCGTGGGATGTTCACAGTC, p.Val30_Ser31insCysAspHisProProGluGlnHisGlyMetPheThrValSerAspHisProProGluGlnArgGlyMetPheThrValGlyAspHisProProGluGlnArgGlyMetPheThrVal (NM_001315529.2).
Identifiers: ClinVar variation 1965645 (VCV001965645.5), dbSNP rs748692891, ClinGen allele CA2580098975.